The following is an entry in ClinVar:

NM_015450.3(POT1):c.43_58del (p.Asn15fs)

Gene: POT1 (protection of telomeres 1; minus strand). Cytogenetic location: 7q31.33.
Variant type: Deletion.
Coding change: c.43_58del on transcript NM_015450.3 (MANE Select); coding-DNA positions 43 to 58, 16 bases deleted (AATCAACTTAAGGGTG).
Protein change: p.Asn15fs; shifts the reading frame from asparagine 15.
Molecular consequence: frameshift variant. On other transcripts: 5 prime UTR variant (1), non-coding transcript variant (3).
Genome position (GRCh38, 1-based): chr7:124,892,332-124,892,347, CACCCTTAAGTTGATT deleted on the plus strand (AATCAACTTAAGGGTG on the coding strand, the reverse complement: POT1 is on the minus strand); deleting any 16 consecutive bases within chr7:124,892,332-124,892,349 gives the same sequence; the c. name uses the placement nearest the transcript's 3' end. VCF-style (leftmost placement, unchanged base first): chr7-124892331-CCACCCTTAAGTTGATT-C. GRCh37 (hg19) VCF-style: chr7-124532385-CCACCCTTAAGTTGATT-C.
Other names: c.-220_-205del (NM_001042594.2); short protein forms N15fs.
Identifiers: ClinVar variation 863176 (VCV000863176.8), dbSNP rs1796391959, ClinGen allele CA916082956.

ClinVar aggregate classification (germline): Pathogenic (1 of 4 stars; one submission).

Conditions:
Tumor predisposition syndrome 3 (TPDS3). Also called: Melanoma, cutaneous malignant, susceptibility to, 10; Glioma susceptibility 9; LONG TELOMERE SYNDROME, POT1-RELATED; POT1 Tumor Predisposition. Identifiers: Orphanet 618, MedGen C4014476, MONDO:0014368, OMIM 615848.

Submission:

Labcorp Genetics (formerly Invitae), Labcorp
Classification: Pathogenic for Tumor predisposition syndrome 3. Last evaluated: 2021-07-26. Review status: criteria provided, single submitter. Criteria: Invitae Variant Classification Sherloc (09022015). Collection method: clinical testing. Allele origin: germline.
Comment: This sequence change creates a premature translational stop signal (p.Asn15Valfs*10) in the POT1 gene. It is expected to result in an absent or disrupted protein product. Loss-of-function variants in POT1 are known to be pathogenic (PMID: 32155570). For these reasons, this variant has been classified as Pathogenic. Algorithms developed to predict the effect of sequence changes on RNA splicing suggest that this variant may create or strengthen a splice site. ClinVar contains an entry for this variant (Variation ID: 863176). This variant has not been reported in the literature in individuals affected with POT1-related conditions. This variant is not present in population databases (ExAC no frequency).

Literature cited by the submitters: PubMed 32155570.